The following is an entry in ClinVar:

ClinVar aggregate classification (germline): Benign/Likely benign. Review status: criteria provided, multiple submitters, no conflicts (2 of 4 stars). 2 submissions from 2 submitters: Benign (1); Likely benign (1). Last evaluated 2018-08-08.

Conditions:
Erythrocytosis, familial, 4 (ECYT4). Identifiers: Orphanet 247511, MedGen C2673187, MONDO:0012729, OMIM 611783.

gnomAD v4.1: 428 of 1,381,432 alleles (0.031%); highest among the groups gnomAD compares: Non-Finnish European, 0.041%; 19 homozygotes.

Submissions (2):

Labcorp Genetics (formerly Invitae), Labcorp
Classification: Likely benign. Last evaluated: 2018-08-08. Review status: criteria provided, single submitter. Criteria: Invitae Variant Classification Sherloc (09022015). Collection method: clinical testing. Allele origin: germline.

Illumina Laboratory Services, Illumina
Classification: Benign for Erythrocytosis, familial, 4. Last evaluated: 2018-01-13. Review status: criteria provided, single submitter. Criteria: ICSL Variant Classification Criteria 13 December 2019. Collection method: clinical testing. Allele origin: germline.
Comment: This variant was observed in the ICSL laboratory as part of a predisposition screen in an ostensibly healthy population. It had not been previously curated by ICSL or reported in the Human Gene Mutation Database (HGMD: prior to June 1st, 2018), and was therefore a candidate for classification through an automated scoring system. Utilizing variant allele frequency, disease prevalence and penetrance estimates, and inheritance mode, an automated score was calculated to assess if this variant is too frequent to cause the disease. Based on the score and internal cut-off values, a variant classified as benign is not then subjected to further curation. The score for this variant resulted in a classification of benign for this disease.

NM_001430.5(EPAS1):c.218-10C>A

Gene: EPAS1 (endothelial PAS domain protein 1; plus strand). Cytogenetic location: 2p21.
Variant type: single nucleotide variant.
Coding change: c.218-10C>A on transcript NM_001430.5 (MANE Select); 10 bases into the intron before coding-DNA position 218, C replaced by A.
Molecular consequence: intron variant.
Genome position (GRCh38, 1-based): chr2:46,356,141, C>A. VCF-style: chr2-46356141-C-A. GRCh37 (hg19) VCF-style: chr2-46583280-C-A.
Identifiers: ClinVar variation 336243 (VCV000336243.8), dbSNP rs55792993, ClinGen allele CA1644560.
Genomic context (GRCh38, chr2:46,356,141, plus strand): 5'-CTATCTGTGCCAGTCCCATCTGTTTTCACTCCACATTCATGCAAGCTGTCCCACCCCCCC[C>A]CCTTTCCAGTTTGCTCTGAAAACGAGTCCGAAGCCGAAGCTGACCAGCAGATGGACAACT-3'